The following is an entry in ClinVar:

NM_000051.4(ATM):c.8561G>C (p.Arg2854Pro)

Genes: ATM (ATM serine/threonine kinase; plus strand), C11orf65 (chromosome 11 open reading frame 65; minus strand). Cytogenetic location: 11q22.3.
Variant type: single nucleotide variant.
Coding change: c.8561G>C on transcript NM_000051.4 (MANE Select); coding-DNA position 8561, G replaced by C.
Protein change: p.Arg2854Pro; replaces arginine 2854 with proline.
Molecular consequence: missense variant. On other transcripts: intron variant (2).
Genome position (GRCh38, 1-based): chr11:108,345,885, G>C. VCF-style: chr11-108345885-G-C. GRCh37 (hg19) VCF-style: chr11-108216612-G-C.
Other names: c.8561G>C, p.Arg2854Pro (NM_001351834.2); c.641-36814C>G (NM_001330368.2); c.695-10593C>G (NM_001351110.2); short protein forms R2854P.
Identifiers: ClinVar variation 1036435 (VCV001036435.9), dbSNP rs1060501605, ClinGen allele CA382518584.

ClinVar aggregate classification (germline): Uncertain significance (1 of 4 stars; one submission).

Conditions:
Ataxia-telangiectasia syndrome (AT). Also called: Ataxia telangiectasia (A-T); ATAXIA-TELANGIECTASIA, COMPLEMENTATION GROUP A; ATAXIA-TELANGIECTASIA, FRESNO VARIANT; Ataxia-telangiectasia; Ataxia-telangiectasia, complementation group E; LOUIS-BAR SYNDROME. Identifiers: Orphanet 100, MedGen C0004135, MONDO:0008840, OMIM 208900.

Submission:

Labcorp Genetics (formerly Invitae), Labcorp
Classification: Uncertain significance for Ataxia-telangiectasia syndrome. Last evaluated: 2023-12-22. Review status: criteria provided, single submitter. Criteria: Invitae Variant Classification Sherloc (09022015). Collection method: clinical testing. Allele origin: germline.
Comment: This sequence change replaces arginine, which is basic and polar, with proline, which is neutral and non-polar, at codon 2854 of the ATM protein (p.Arg2854Pro). This variant is not present in population databases (gnomAD no frequency). This variant has not been reported in the literature in individuals affected with ATM-related conditions. ClinVar contains an entry for this variant (Variation ID: 1036435). An algorithm developed to predict the effect of missense changes on protein structure and function (PolyPhen-2) suggests that this variant is likely to be disruptive. In summary, the available evidence is currently insufficient to determine the role of this variant in disease. Therefore, it has been classified as a Variant of Uncertain Significance.